The following is an entry in ClinVar:

ClinVar aggregate classification (germline): Likely pathogenic (1 of 4 stars; one submission).

Conditions:
Cataract 1 multiple types. Also called: CATARACT, DUFFY-LINKED; CATARACT 1, POSTERIOR SUBCAPSULAR, WITH MICROCORNEA; CATARACT 1, STELLATE NUCLEAR, WITH MICROCORNEA; CATARACT 1, MULTIPLE TYPES, WITH OR WITHOUT MICROCORNEA; CATARACT 1, NUCLEAR PROGRESSIVE; CATARACT 1 WITH MICROCORNEA. Identifiers: Orphanet 1377, MedGen C1861828, MONDO:0007285, OMIM 116200.

Submission:

Dept. Genetics and Cancer, Menzies Institute for Medical Research, University of Tasmania
Classification: Likely pathogenic for Cataract 1 multiple types. Last evaluated: 2023-01-21. Review status: criteria provided, single submitter. Criteria: ACMG Guidelines, 2015. Collection method: curation. Allele origin: germline. Affected: yes.
Comment: Variant identified and curated during a GJA8 specific review of the literature in relation to pediatric or congenital cataract. ACMG-AMP criteria applied: PP1(Strong), PM1(Supporting), PM2(Supporting), PP3. Original variant report: PMID:17110920. The cataract phenotype reported for this variant is: Nuclear and sutural (full-moon). Gene review and curation guidelines are outlined in: DOI 10.1080/17469899.2023.2160320

Literature cited by the submitters: PubMed 17110920.

NM_005267.5(GJA8):c.235G>C (p.Val79Leu)

Gene: GJA8 (gap junction protein alpha 8; plus strand). Cytogenetic location: 1q21.2.
Variant type: single nucleotide variant.
Coding change: c.235G>C on transcript NM_005267.5 (MANE Select); coding-DNA position 235, G replaced by C.
Protein change: p.Val79Leu; replaces valine 79 with leucine.
Molecular consequence: missense variant.
Genome position (GRCh38, 1-based): chr1:147,908,190, G>C. VCF-style: chr1-147908190-G-C. GRCh37 (hg19) VCF-style: chr1-147380317-G-C.
Other names: short protein forms V79L.
Identifiers: ClinVar variation 3253656 (VCV003253656.1), dbSNP rs782285117.